The following is an entry in ClinVar:

NM_001009944.3(PKD1):c.11867_11891del (p.Leu3956fs)

Gene: PKD1 (polycystin 1, transient receptor potential channel interacting; minus strand). Cytogenetic location: 16p13.3.
Variant type: Deletion.
Coding change: c.11867_11891del on transcript NM_001009944.3 (MANE Select); coding-DNA positions 11867 to 11891, 25 bases deleted (TGGGTGCCGCTGACCGCCAGTGGAC).
Protein change: p.Leu3956fs; shifts the reading frame from leucine 3956.
Molecular consequence: frameshift variant.
Genome position (GRCh38, 1-based): chr16:2,090,996-2,091,020, GTCCACTGGCGGTCAGCGGCACCCA deleted on the plus strand (TGGGTGCCGCTGACCGCCAGTGGAC on the coding strand, the reverse complement: PKD1 is on the minus strand); deleting any 25 consecutive bases within chr16:2,090,996-2,091,021 gives the same sequence; the c. name uses the placement nearest the transcript's 3' end. VCF-style (leftmost placement, unchanged base first): chr16-2090995-GGTCCACTGGCGGTCAGCGGCACCCA-G. GRCh37 (hg19) VCF-style: chr16-2140996-GGTCCACTGGCGGTCAGCGGCACCCA-G.
Other names: c.11864_11888del, p.Leu3955fs (NM_000296.4); short protein forms L3955fs, L3956fs.
Identifiers: ClinVar variation 4072214 (VCV004072214.1).

ClinVar aggregate classification (germline): Pathogenic (1 of 4 stars; one submission).

Conditions:
Polycystic kidney disease, adult type (PKD1). Also called: Polycystic Kidney, Autosomal Dominant; Polycystic Kidney Disease 1, Autosomal Dominant; Polycystic kidney disease 1; Polycystic kidney disease 1, severe; POLYCYSTIC KIDNEY DISEASE 1 WITH OR WITHOUT POLYCYSTIC LIVER DISEASE; POLYCYSTIC KIDNEY DISEASE, ADULT, TYPE I. Identifiers: MedGen C3149841, MONDO:0008263, OMIM 173900.

Submission:

MVZ Medizinische Genetik Mainz
Classification: Pathogenic for Polycystic kidney disease, adult type. Last evaluated: 2025-06-30. Review status: criteria provided, single submitter. Criteria: UK Practice Guidelines For Variant Classification V4 01 2020. Collection method: clinical testing. Allele origin: germline. Inheritance: Autosomal dominant inheritance. Affected: yes. Observed: 1 variant allele.
Comment: ACMG Criteria: PVS1,PM2_SUP,PP4